The following is an entry in ClinVar:

ClinVar aggregate classification (germline): Benign/Likely benign. Review status: criteria provided, multiple submitters, no conflicts (2 of 4 stars). 6 submissions from 6 submitters: Benign (4); Likely benign (1). 1 of the submissions does not count toward it. Last evaluated 2026-02-04.

Conditions:
Inborn genetic diseases. Identifiers: MedGen C0950123, MeSH D030342.
Intellectual developmental disorder, autosomal recessive 3. Also called: Intellectual disability, autosomal recessive 3. Identifiers: Orphanet 88616, MedGen C1838023, MONDO:0012037, OMIM 608443.

Allele frequency attached by ClinVar (database versions not stated): 1000 Genomes Project 0.12500; 1000 Genomes Project 30x 0.12539; TOPMed 0.17964; gnomAD 0.18775 and 0.19038; ESP Exome Variant Server 0.19352; ExAC 0.21038; gnomAD exomes 0.21045.
gnomAD v4.1: 397,511 of 1,613,272 alleles (25%); highest among the groups gnomAD compares: Non-Finnish European, 28%; 52,801 homozygotes.

Submissions (6):

Labcorp Genetics (formerly Invitae), Labcorp
Classification: Benign. Last evaluated: 2026-02-04. Review status: criteria provided, single submitter. Criteria: Invitae Variant Classification Sherloc (09022015). Collection method: clinical testing. Allele origin: germline.

Blueprint Genetics
Classification: Likely benign. Last evaluated: 2024-11-28. Review status: criteria provided, single submitter. Criteria: ACMG Guidelines, 2015. Collection method: clinical testing. Allele origin: germline.

Genome-Nilou Lab
Classification: Benign for Intellectual developmental disorder, autosomal recessive 3. Last evaluated: 2021-07-14. Review status: criteria provided, single submitter. Criteria: ACMG Guidelines, 2015. Collection method: clinical testing. Allele origin: germline. Affected: no.

Ambry Genetics
Classification: Benign for Inborn genetic diseases. Last evaluated: 2016-03-17. Review status: criteria provided, single submitter. Criteria: Ambry Variant Classification Scheme 2023. Collection method: clinical testing. Allele origin: germline.

Breakthrough Genomics
Classification: Benign. Review status: criteria provided, single submitter. Criteria: ACMG Guidelines, 2015. Collection method: not provided. Allele origin: germline. Inheritance: Autosomal recessive inheritance. Affected: yes.

Genetic Services Laboratory, University of Chicago
Classification: Likely benign for AllHighlyPenetrant. Review status: no assertion criteria provided. Collection method: clinical testing. Allele origin: germline. Inheritance: Autosomal recessive inheritance. Not counted in ClinVar's aggregate classification.
Comment: Likely benign based on allele frequency in 1000 Genomes Project or ESP global frequency and its presence in a patient with a rare or unrelated disease phenotype. NOT Sanger confirmed.

NM_017721.5(CC2D1A):c.2402C>T (p.Thr801Met)

Gene: CC2D1A (coiled-coil and C2 domain containing 1A; plus strand). Cytogenetic location: 19p13.12.
Variant type: single nucleotide variant.
Coding change: c.2402C>T on transcript NM_017721.5 (MANE Select); coding-DNA position 2402, C replaced by T.
Protein change: p.Thr801Met; replaces threonine 801 with methionine.
Molecular consequence: missense variant.
Genome position (GRCh38, 1-based): chr19:13,927,978, C>T. VCF-style: chr19-13927978-C-T. GRCh37 (hg19) VCF-style: chr19-14038791-C-T.
Other names: short protein forms T801M.
Identifiers: ClinVar variation 128619 (VCV000128619.18), dbSNP rs2305777, ClinGen allele CA152196.
Genomic context (GRCh38, chr19:13,927,978, plus strand): 5'-GGGGGCGACTGGAGGTAATGGTCCGGATTCGGGAGCCACTGACAGCCCAGCAGTTGGAGA[C>T]GACGACAGAGAGGTGGCTGGTCATTGACCCTGTGCCGGCAGCTGTGCCCACAGTGAGACC-3'
Protein context (NP_060191.3, residues 791-811): REPLTAQQLE[Thr801Met]TTERWLVIDP